The following is an entry in ClinVar:

ClinVar aggregate classification (germline): Conflicting classifications of pathogenicity. Review status: criteria provided, conflicting classifications (1 of 4 stars). 5 submissions from 5 submitters: Uncertain significance (1); Likely benign (4). Last evaluated 2026-08-28.

Conditions:
LRSAM1-related disorder. Also called: LRSAM1-related condition.
Inborn genetic diseases. Identifiers: MedGen C0950123, MeSH D030342.
Charcot-Marie-Tooth disease axonal type 2P. Also called: CHARCOT-MARIE-TOOTH NEUROPATHY, TYPE 2P; CHARCOT-MARIE-TOOTH DISEASE, AXONAL, TYPE 2G; CMT 2G; Charcot-Marie-Tooth Neuropathy Type 2G. Identifiers: Orphanet 300319, Orphanet 99941, MedGen C3280797, MONDO:0013753, OMIM 614436.

Allele frequency attached by ClinVar (database versions not stated): TOPMed 0.00018; ExAC 0.00001; gnomAD exomes 0.00006 and 0.00016; gnomAD 0.00011 and 0.00014.
gnomAD v4.1: 243 of 1,613,780 alleles (0.015%); highest among the groups gnomAD compares: Admixed American, 0.03%; no homozygotes.

Submissions (5):

PreventionGenetics, part of Exact Sciences
Classification: Likely benign for LRSAM1-related condition. Last evaluated: 2026-08-28. Review status: criteria provided, single submitter. Criteria: ACMG Guidelines, 2015. Collection method: clinical testing. Allele origin: germline.
Comment: This variant is classified as likely benign based on ACMG/AMP sequence variant interpretation guidelines (Richards et al. 2015 PMID: 25741868, with internal and published modifications).

Women's Health and Genetics/Laboratory Corporation of America, LabCorp
Classification: Likely benign. Last evaluated: 2025-10-08. Review status: criteria provided, single submitter. Criteria: LabCorp Variant Classification Summary - May 2015. Collection method: clinical testing. Allele origin: germline.

Labcorp Genetics (formerly Invitae), Labcorp
Classification: Likely benign for Charcot-Marie-Tooth disease axonal type 2P. Last evaluated: 2025-09-18. Review status: criteria provided, single submitter. Criteria: Invitae Variant Classification Sherloc (09022015). Collection method: clinical testing. Allele origin: germline.

Ambry Genetics
Classification: Likely benign for Inborn genetic diseases. Last evaluated: 2019-07-11. Review status: criteria provided, single submitter. Criteria: Ambry Variant Classification Scheme 2023. Collection method: clinical testing. Allele origin: germline.

Illumina Laboratory Services, Illumina
Classification: Uncertain significance for Charcot-Marie-Tooth disease axonal type 2P. Last evaluated: 2018-01-13. Review status: criteria provided, single submitter. Criteria: ICSL Variant Classification Criteria 13 December 2019. Collection method: clinical testing. Allele origin: germline.

NM_001005373.4(LRSAM1):c.894G>A (p.Thr298=)

Gene: LRSAM1 (leucine rich repeat and sterile alpha motif containing 1; plus strand). Cytogenetic location: 9q33.3.
Variant type: single nucleotide variant.
Coding change: c.894G>A on transcript NM_001005373.4 (MANE Select); coding-DNA position 894, G replaced by A.
Protein change: p.Thr298=; no amino-acid change (threonine 298 retained).
Molecular consequence: synonymous variant. On other transcripts: non-coding transcript variant (2).
Genome position (GRCh38, 1-based): chr9:127,479,496, G>A. VCF-style: chr9-127479496-G-A. GRCh37 (hg19) VCF-style: chr9-130241775-G-A.
Other names: c.894G>A (NM_138361.4); c.894G>A, p.Thr298= (NM_001005374.4, NM_001190723.3, NM_001384142.1 and 2 more transcripts); c.105G>A, p.Thr35= (NM_001384144.1).
Identifiers: ClinVar variation 414879 (VCV000414879.20), dbSNP rs771491533, ClinGen allele CA5246730.